The following is an entry in ClinVar:

ClinVar aggregate classification (germline): Uncertain significance (1 of 4 stars; one submission).

Conditions:
RYR1-related disorder. Also called: RYR1-related condition; RYR1-related disorders. Identifiers: MedGen CN239331.

Allele frequency attached by ClinVar (database versions not stated): gnomAD exomes below 0.00001; ExAC 0.00001.

Submission:

Labcorp Genetics (formerly Invitae), Labcorp
Classification: Uncertain significance for RYR1-related disorder. Last evaluated: 2022-03-18. Review status: criteria provided, single submitter. Criteria: Invitae Variant Classification Sherloc (09022015). Collection method: clinical testing. Allele origin: germline.
Comment: This sequence change replaces leucine, which is neutral and non-polar, with glutamine, which is neutral and polar, at codon 3256 of the RYR1 protein (p.Leu3256Gln). This variant is present in population databases (rs779643621, gnomAD 0.0009%). This variant has not been reported in the literature in individuals affected with RYR1-related conditions. Algorithms developed to predict the effect of missense changes on protein structure and function are either unavailable or do not agree on the potential impact of this missense change (SIFT: "Deleterious"; PolyPhen-2: "Benign"; Align-GVGD: "Class C0"). In summary, the available evidence is currently insufficient to determine the role of this variant in disease. Therefore, it has been classified as a Variant of Uncertain Significance.

NM_000540.3(RYR1):c.9767T>A (p.Leu3256Gln)

Gene: RYR1 (ryanodine receptor 1; plus strand). Cytogenetic location: 19q13.2.
Variant type: single nucleotide variant.
Coding change: c.9767T>A on transcript NM_000540.3 (MANE Select); coding-DNA position 9767, T replaced by A.
Protein change: p.Leu3256Gln; replaces leucine 3256 with glutamine.
Molecular consequence: missense variant.
Genome position (GRCh38, 1-based): chr19:38,517,440, T>A. VCF-style: chr19-38517440-T-A. GRCh37 (hg19) VCF-style: chr19-39008080-T-A.
Other names: c.9767T>A, p.Leu3256Gln (NM_001042723.2); short protein forms L3256Q.
Identifiers: ClinVar variation 1420851 (VCV001420851.5), dbSNP rs779643621, ClinGen allele CA074123.